The following is an entry in ClinVar:

NC_000017.11:g.(?_31169881)_(31236031_?)dup

Gene: NF1 (neurofibromin 1; plus strand). Cytogenetic location: 17q11.2.
Variant type: Duplication.
Identifiers: ClinVar variation 831353 (VCV000831353.3).

ClinVar aggregate classification (germline): Uncertain significance (1 of 4 stars; one submission).

Conditions:
Neurofibromatosis, type 1 (NF1). Also called: Neurofibromatosis, type I; Peripheral type neurofibromatosis; VON RECKLINGHAUSEN DISEASE; NEUROFIBROMATOSIS, TYPE I, SOMATIC. Identifiers: Orphanet 636, MedGen C0027831, MONDO:0018975, OMIM 162200. Disease mechanism: loss of function.

Submission:

Labcorp Genetics (formerly Invitae), Labcorp
Classification: Uncertain significance for Neurofibromatosis, type 1. Last evaluated: 2019-12-03. Review status: criteria provided, single submitter. Criteria: Invitae Variant Classification Sherloc (09022015). Collection method: clinical testing. Allele origin: germline.
Comment: In summary, the available evidence is currently insufficient to determine the role of this variant in disease. Therefore, it has been classified as a Variant of Uncertain Significance. Experimental studies and prediction algorithms are not available or were not evaluated, and the functional significance of this variant is currently unknown. This variant has not been reported in the literature in individuals with NF1-related conditions. This variant results in a copy number gain of the genomic region encompassing exons 5-29 of the NF1 gene. While the exact position of this variant cannot be determined from this data, sub-genic copy number gains are generally in tandem (PMID: 25640679). This variant would be expected to be in-frame, preserving the integrity of the reading frame.

Literature cited by the submitters: PubMed 25640679.